The following is an entry in ClinVar:

ClinVar aggregate classification (germline): Likely benign. Review status: criteria provided, single submitter (1 of 4 stars). 2 submissions from 2 submitters: Likely benign (1). 1 of the submissions does not count toward it. Last evaluated 2024-06-28.

Conditions:
MTOR-related disorder. Also called: MTOR-related condition.

Allele frequency attached by ClinVar (database versions not stated): gnomAD exomes 0.00001 and 0.00002; ExAC 0.00002; gnomAD 0.00002; TOPMed 0.00002.

Submissions (2):

Labcorp Genetics (formerly Invitae), Labcorp
Classification: Likely benign. Last evaluated: 2024-06-28. Review status: criteria provided, single submitter. Criteria: Invitae Variant Classification Sherloc (09022015). Collection method: clinical testing. Allele origin: germline.

PreventionGenetics, part of Exact Sciences
Classification: Likely benign for MTOR-related condition. Last evaluated: 2020-11-04. Review status: no assertion criteria provided. Collection method: clinical testing. Allele origin: germline. Not counted in ClinVar's aggregate classification.
Comment: This variant is classified as likely benign based on ACMG/AMP sequence variant interpretation guidelines (Richards et al. 2015 PMID: 25741868, with internal and published modifications).

NM_004958.4(MTOR):c.564A>G (p.Gln188=)

Gene: MTOR (mechanistic target of rapamycin kinase; minus strand). Cytogenetic location: 1p36.22.
Variant type: single nucleotide variant.
Coding change: c.564A>G on transcript NM_004958.4 (MANE Select); coding-DNA position 564, A replaced by G.
Protein change: p.Gln188=; no amino-acid change (glutamine 188 retained).
Molecular consequence: synonymous variant.
Genome position (GRCh38, 1-based): chr1:11,256,133, T>C on the plus strand (A>G on the coding strand, the complement: MTOR is on the minus strand). VCF-style: chr1-11256133-T-C. GRCh37 (hg19) VCF-style: chr1-11316190-T-C.
Identifiers: ClinVar variation 766754 (VCV000766754.10), dbSNP rs769061796, ClinGen allele CA590912.